The following is an entry in ClinVar:

ClinVar aggregate classification (germline): Uncertain significance (1 of 4 stars; one submission).

Submission:

GeneDx
Classification: Uncertain significance. Last evaluated: 2024-11-10. Review status: criteria provided, single submitter. Criteria: GeneDx Variant Classification Process June 2021. Collection method: clinical testing. Allele origin: germline. Affected: yes.
Comment: Not observed at significant frequency in large population cohorts (gnomAD); In silico analysis supports that this missense variant has a deleterious effect on protein structure/function; Has not been previously published as pathogenic or benign to our knowledge

NM_001393769.1(MED12L):c.3269C>T (p.Ala1090Val)

Genes: MED12L (mediator complex subunit 12L; plus strand), P2RY12 (purinergic receptor P2Y12; minus strand). Cytogenetic location: 3q25.1.
Variant type: single nucleotide variant.
Coding change: c.3269C>T on transcript NM_001393769.1 (MANE Select); coding-DNA position 3269, C replaced by T.
Protein change: p.Ala1090Val; replaces alanine 1090 with valine.
Molecular consequence: missense variant. On other transcripts: intron variant (1).
Genome position (GRCh38, 1-based): chr3:151,365,933, C>T. VCF-style: chr3-151365933-C-T. GRCh37 (hg19) VCF-style: chr3-151083721-C-T.
Other names: c.3164C>T, p.Ala1055Val (NM_053002.6); c.-180+18759G>A (NM_022788.5); short protein forms A1055V, A1090V.
Identifiers: ClinVar variation 3899010 (VCV003899010.1).